The following is an entry in ClinVar:

NM_198271.5(LMOD3):c.1336T>C (p.Phe446Leu)

Gene: LMOD3 (leiomodin 3; minus strand). Cytogenetic location: 3p14.1.
Variant type: single nucleotide variant.
Coding change: c.1336T>C on transcript NM_198271.5 (MANE Select); coding-DNA position 1336, T replaced by C.
Protein change: p.Phe446Leu; replaces phenylalanine 446 with leucine.
Molecular consequence: missense variant.
Genome position (GRCh38, 1-based): chr3:69,119,019, A>G on the plus strand (T>C on the coding strand, the complement: LMOD3 is on the minus strand). VCF-style: chr3-69119019-A-G. GRCh37 (hg19) VCF-style: chr3-69168170-A-G.
Other names: c.1336T>C (NM_198271.4, NM_198271.3); c.1336T>C, p.Phe446Leu (NM_001304418.3); short protein forms F446L.
Identifiers: ClinVar variation 2188100 (VCV002188100.3), dbSNP rs200078125, ClinGen allele CA2488815.

ClinVar aggregate classification (germline): Uncertain significance. Review status: criteria provided, multiple submitters, no conflicts (2 of 4 stars). 3 submissions from 3 submitters: Uncertain significance (3). Last evaluated 2024-12-26.

Conditions:
Nemaline myopathy 10 (NEM10). Identifiers: MedGen C4015360, MONDO:0014513, OMIM 616165.
Inborn genetic diseases. Identifiers: MedGen C0950123, MeSH D030342.

Allele frequency attached by ClinVar (database versions not stated): gnomAD 0.00006; ExAC 0.00003; 1000 Genomes Project 30x 0.00016; 1000 Genomes Project 0.00020; ESP Exome Variant Server 0.00016; TOPMed 0.00004; gnomAD exomes 0.00014.
gnomAD v4.1: 217 of 1,613,512 alleles (0.013%); highest among the groups gnomAD compares: Non-Finnish European, 0.017%; no homozygotes.

Submissions (3):

Revvity Omics, Revvity
Classification: Uncertain significance for Nemaline myopathy 10. Last evaluated: 2024-12-26. Review status: criteria provided, single submitter. Criteria: ACMG Guidelines, 2015. Collection method: clinical testing. Allele origin: germline.

Ambry Genetics
Classification: Uncertain significance for Inborn genetic diseases. Last evaluated: 2022-11-18. Review status: criteria provided, single submitter. Criteria: Ambry Variant Classification Scheme 2023. Collection method: clinical testing. Allele origin: germline.

Labcorp Genetics (formerly Invitae), Labcorp
Classification: Uncertain significance for Nemaline myopathy 10. Last evaluated: 2022-07-11. Review status: criteria provided, single submitter. Criteria: Invitae Variant Classification Sherloc (09022015). Collection method: clinical testing. Allele origin: germline.
Comment: This sequence change replaces phenylalanine, which is neutral and non-polar, with leucine, which is neutral and non-polar, at codon 446 of the LMOD3 protein (p.Phe446Leu). This variant is present in population databases (rs200078125, gnomAD 0.007%). This variant has not been reported in the literature in individuals affected with LMOD3-related conditions. Algorithms developed to predict the effect of missense changes on protein structure and function output the following: SIFT: "Tolerated"; PolyPhen-2: "Benign"; Align-GVGD: "Class C0". The leucine amino acid residue is found in multiple mammalian species, which suggests that this missense change does not adversely affect protein function. In summary, the available evidence is currently insufficient to determine the role of this variant in disease. Therefore, it has been classified as a Variant of Uncertain Significance.